The following is an entry in ClinVar:

NM_002291.3(LAMB1):c.1403G>A (p.Gly468Glu)

Gene: LAMB1 (laminin subunit beta 1; minus strand). Cytogenetic location: 7q31.1.
Variant type: single nucleotide variant.
Coding change: c.1403G>A on transcript NM_002291.3 (MANE Select); coding-DNA position 1403, G replaced by A.
Protein change: p.Gly468Glu; replaces glycine 468 with glutamic acid.
Molecular consequence: missense variant.
Genome position (GRCh38, 1-based): chr7:107,975,065, C>T on the plus strand (G>A on the coding strand, the complement: LAMB1 is on the minus strand). VCF-style: chr7-107975065-C-T. GRCh37 (hg19) VCF-style: chr7-107615510-C-T.
Other names: short protein forms G468E.
Identifiers: ClinVar variation 1717428 (VCV001717428.5), dbSNP rs2535484608, ClinGen allele CA368876621.

ClinVar aggregate classification (germline): Uncertain significance (1 of 4 stars; one submission).

Submission:

Labcorp Genetics (formerly Invitae), Labcorp
Classification: Uncertain significance. Last evaluated: 2022-10-17. Review status: criteria provided, single submitter. Criteria: Invitae Variant Classification Sherloc (09022015). Collection method: clinical testing. Allele origin: germline.
Comment: This variant is not present in population databases (gnomAD no frequency). This sequence change replaces glycine, which is neutral and non-polar, with glutamic acid, which is acidic and polar, at codon 468 of the LAMB1 protein (p.Gly468Glu). This variant has not been reported in the literature in individuals affected with LAMB1-related conditions. In summary, the available evidence is currently insufficient to determine the role of this variant in disease. Therefore, it has been classified as a Variant of Uncertain Significance. Algorithms developed to predict the effect of missense changes on protein structure and function (SIFT, PolyPhen-2, Align-GVGD) all suggest that this variant is likely to be disruptive.